The following is an entry in ClinVar:

NM_001130438.3(SPTAN1):c.2343C>T (p.Ala781=)

Gene: SPTAN1 (spectrin alpha, non-erythrocytic 1; plus strand). Cytogenetic location: 9q34.11.
Variant type: single nucleotide variant.
Coding change: c.2343C>T on transcript NM_001130438.3 (MANE Select); coding-DNA position 2343, C replaced by T.
Protein change: p.Ala781=; no amino-acid change (alanine 781 retained).
Molecular consequence: synonymous variant.
Genome position (GRCh38, 1-based): chr9:128,584,431, C>T. VCF-style: chr9-128584431-C-T. GRCh37 (hg19) VCF-style: chr9-131346710-C-T.
Other names: c.2343C>T, p.Ala781= (NM_001195532.2, NM_001363759.2, NM_001363765.2 and 1 more transcripts).
Identifiers: ClinVar variation 288478 (VCV000288478.15), dbSNP rs34084388, ClinGen allele CA5264618.

ClinVar aggregate classification (germline): Likely benign. Review status: criteria provided, multiple submitters, no conflicts (2 of 4 stars). 4 submissions from 4 submitters: Likely benign (4). Last evaluated 2025-10-02.

Conditions:
Early-infantile DEE. Also called: Early infantile epileptic encephalopathy; Ohtahara syndrome; Early infantile epileptic encephalopathy with suppression bursts. Identifiers: Orphanet 1934, MedGen C0393706, MONDO:0800491.

Allele frequency attached by ClinVar (database versions not stated): TOPMed 0.00001.
gnomAD v4.1: 51 of 1,614,046 alleles (0.0032%); highest among the groups gnomAD compares: African/African-American, 0.0053%; no homozygotes.

Submissions (4):

Labcorp Genetics (formerly Invitae), Labcorp
Classification: Likely benign for Early-infantile DEE. Last evaluated: 2025-10-02. Review status: criteria provided, single submitter. Criteria: Invitae Variant Classification Sherloc (09022015). Collection method: clinical testing. Allele origin: germline.

Blueprint Genetics
Classification: Likely benign. Last evaluated: 2022-06-01. Review status: criteria provided, single submitter. Criteria: ACMG Guidelines, 2015. Collection method: clinical testing. Allele origin: germline.

GeneDx
Classification: Likely benign. Last evaluated: 2018-05-04. Review status: criteria provided, single submitter. Criteria: GeneDx Variant Classification (06012015). Collection method: clinical testing. Allele origin: germline. Affected: yes.
Comment: This variant is considered likely benign or benign based on one or more of the following criteria: it is a conservative change, it occurs at a poorly conserved position in the protein, it is predicted to be benign by multiple in silico algorithms, and/or has population frequency not consistent with disease.

Eurofins Ntd Llc (ga)
Classification: Likely benign. Last evaluated: 2016-06-07. Review status: criteria provided, single submitter. Criteria: EGL Classification Definitions 2015. Collection method: clinical testing. Allele origin: germline. Observed: 1 variant allele, 1 heterozygote.